The following is an entry in ClinVar:

NM_052867.4(NALCN):c.152T>A (p.Ile51Asn)

Gene: NALCN (sodium leak channel, non-selective; minus strand). Cytogenetic location: 13q33.1.
Variant type: single nucleotide variant.
Coding change: c.152T>A on transcript NM_052867.4 (MANE Select); coding-DNA position 152, T replaced by A.
Protein change: p.Ile51Asn; replaces isoleucine 51 with asparagine.
Molecular consequence: missense variant.
Genome position (GRCh38, 1-based): chr13:101,395,322, A>T on the plus strand (T>A on the coding strand, the complement: NALCN is on the minus strand). VCF-style: chr13-101395322-A-T. GRCh37 (hg19) VCF-style: chr13-102047673-A-T.
Other names: c.152T>A, p.Ile51Asn (NM_001350748.2, NM_001350749.2, NM_001350750.2 and 1 more transcripts); short protein forms I51N.
Identifiers: ClinVar variation 2584841 (VCV002584841.1), dbSNP rs2548614993, ClinGen allele CA388707079.

ClinVar aggregate classification (germline): Uncertain significance (1 of 4 stars; one submission).

Conditions:
Congenital contractures of the limbs and face, hypotonia, and developmental delay (CLIFAHDD). Identifiers: Orphanet 562528, MedGen C4225398, MONDO:0014556, OMIM 616266.

Submission:

Neuberg Centre For Genomic Medicine, NCGM
Classification: Uncertain significance for Congenital contractures of the limbs and face, hypotonia, and developmental delay. Review status: criteria provided, single submitter. Criteria: ACMG Guidelines, 2015. Collection method: clinical testing. Allele origin: germline. Inheritance: Autosomal dominant inheritance. Affected: yes.
Comment: The missense variant in c.152T>A(p.Ile51Asn) in NALCN gene has not been reported previously as a pathogenic variant nor as a benign variant, to our knowledge. The p.Ile51Asn variant is novel (not in any individuals) in gnomAD Exomes and 1000 Genomes. The amino acid Ile at position 51 is changed to a Asn changing protein sequence and it might alter its composition and physico-chemical properties. The variant is predicted to be damaging by both SIFT and PolyPhen2. The residue is conserved across species. The amino acid change p.Ile51Asn in NALCN is predicted as conserved by GERP++ and PhyloP across 100 vertebrates. For these reasons, this variant has been classified as Uncertain Significance.